The following is an entry in ClinVar:

ClinVar aggregate classification (germline): Uncertain significance (1 of 4 stars; one submission).

gnomAD v4.1: 2 of 1,614,146 alleles (0.00012%); highest among the groups gnomAD compares: South Asian, 0.0022%; no homozygotes.

Submission:

Labcorp Genetics (formerly Invitae), Labcorp
Classification: Uncertain significance. Last evaluated: 2022-09-14. Review status: criteria provided, single submitter. Criteria: Invitae Variant Classification Sherloc (09022015). Collection method: clinical testing. Allele origin: germline.
Comment: This variant is not present in population databases (gnomAD no frequency). This sequence change replaces valine, which is neutral and non-polar, with glycine, which is neutral and non-polar, at codon 1883 of the ABCA4 protein (p.Val1883Gly). This variant has not been reported in the literature in individuals affected with ABCA4-related conditions. Advanced modeling of protein sequence and biophysical properties (such as structural, functional, and spatial information, amino acid conservation, physicochemical variation, residue mobility, and thermodynamic stability) performed at Invitae indicates that this missense variant is not expected to disrupt ABCA4 protein function. In summary, the available evidence is currently insufficient to determine the role of this variant in disease. Therefore, it has been classified as a Variant of Uncertain Significance.

NM_000350.3(ABCA4):c.5648T>G (p.Val1883Gly)

Gene: ABCA4 (ATP binding cassette subfamily A member 4; minus strand). Cytogenetic location: 1p22.1.
Variant type: single nucleotide variant.
Coding change: c.5648T>G on transcript NM_000350.3 (MANE Select); coding-DNA position 5648, T replaced by G.
Protein change: p.Val1883Gly; replaces valine 1883 with glycine.
Molecular consequence: missense variant.
Genome position (GRCh38, 1-based): chr1:94,010,866, A>C on the plus strand (T>G on the coding strand, the complement: ABCA4 is on the minus strand). VCF-style: chr1-94010866-A-C. GRCh37 (hg19) VCF-style: chr1-94476422-A-C.
Other names: c.5426T>G, p.Val1809Gly (NM_001425324.1); short protein forms V1883G, V1809G.
Identifiers: ClinVar variation 1719459 (VCV001719459.5), dbSNP rs1659524799, ClinGen allele CA341280825.